The following is an entry in ClinVar:

NM_001282225.2(ADA2):c.342T>G (p.His114Gln)

Gene: ADA2 (adenosine deaminase 2; minus strand). Cytogenetic location: 22q11.1.
Variant type: single nucleotide variant.
Coding change: c.342T>G on transcript NM_001282225.2 (MANE Select); coding-DNA position 342, T replaced by G.
Protein change: p.His114Gln; replaces histidine 114 with glutamine.
Molecular consequence: missense variant. On other transcripts: 5 prime UTR variant (1).
Genome position (GRCh38, 1-based): chr22:17,207,271, A>C on the plus strand (T>G on the coding strand, the complement: ADA2 is on the minus strand). VCF-style: chr22-17207271-A-C. GRCh37 (hg19) VCF-style: chr22-17688161-A-C.
Other names: c.342T>G, p.His114Gln (NM_001282226.2); c.216T>G, p.His72Gln (NM_001282227.2, NM_001282228.2); c.-19T>G (NM_001282229.2); short protein forms H114Q, H72Q.
Identifiers: ClinVar variation 2438857 (VCV002438857.6), dbSNP rs2062364841, ClinGen allele CA410229906.

ClinVar aggregate classification (germline): Uncertain significance. Review status: criteria provided, multiple submitters, no conflicts (2 of 4 stars). 2 submissions from 2 submitters: Uncertain significance (2). Last evaluated 2023-11-20.

Conditions:
Deficiency of adenosine deaminase 2. Also called: Adenosine Deaminase 2 Deficiency; Polyarteritis nodosa, childhoood-onset; VASCULITIS, AUTOINFLAMMATION, IMMUNODEFICIENCY, AND HEMATOLOGIC DEFECTS SYNDROME. Identifiers: Orphanet 404553, MedGen C3887654, MONDO:0014306, OMIM 615688, MONDO:0100317.

Submissions (2):

Labcorp Genetics (formerly Invitae), Labcorp
Classification: Uncertain significance for Deficiency of adenosine deaminase 2. Last evaluated: 2023-11-20. Review status: criteria provided, single submitter. Criteria: Invitae Variant Classification Sherloc (09022015). Collection method: clinical testing. Allele origin: germline.
Comment: This sequence change replaces histidine, which is basic and polar, with glutamine, which is neutral and polar, at codon 114 of the ADA2 protein (p.His114Gln). This variant is not present in population databases (gnomAD no frequency). This variant has not been reported in the literature in individuals affected with ADA2-related conditions. ClinVar contains an entry for this variant (Variation ID: 2438857). Advanced modeling of protein sequence and biophysical properties (such as structural, functional, and spatial information, amino acid conservation, physicochemical variation, residue mobility, and thermodynamic stability) performed at Invitae indicates that this missense variant is expected to disrupt ADA2 protein function with a positive predictive value of 95%. In summary, the available evidence is currently insufficient to determine the role of this variant in disease. Therefore, it has been classified as a Variant of Uncertain Significance.

Revvity Omics, Revvity
Classification: Uncertain significance. Last evaluated: 2021-08-21. Review status: criteria provided, single submitter. Criteria: ACMG Guidelines, 2015. Collection method: clinical testing. Allele origin: germline.